The following is an entry in ClinVar:

ClinVar aggregate classification (germline): Pathogenic. Review status: criteria provided, multiple submitters, no conflicts (2 of 4 stars). 2 submissions from 2 submitters: Pathogenic (2). Last evaluated 2021-10-20.

Conditions:
Lowe syndrome (OCRL). Also called: Oculocerebrorenal Syndrome; LOWE OCULOCEREBRORENAL SYNDROME; PHOSPHATIDYLINOSITOL 4,5-BISPHOSPHATE 5-PHOSPHATASE DEFICIENCY. Identifiers: Orphanet 534, MedGen C0028860, MONDO:0010645, OMIM 309000.

Submissions (2):

Labcorp Genetics (formerly Invitae), Labcorp
Classification: Pathogenic for Lowe syndrome. Last evaluated: 2021-10-20. Review status: criteria provided, single submitter. Criteria: Invitae Variant Classification Sherloc (09022015). Collection method: clinical testing. Allele origin: germline.
Comment: This variant has not been reported in the literature in individuals affected with OCRL-related conditions. For these reasons, this variant has been classified as Pathogenic. ClinVar contains an entry for this variant (Variation ID: 195559). This variant is not present in population databases (gnomAD no frequency). This sequence change creates a premature translational stop signal (p.Gln767*) in the OCRL gene. It is expected to result in an absent or disrupted protein product. Loss-of-function variants in OCRL are known to be pathogenic (PMID: 19390221, 21031565, 22381590).

Eurofins Ntd Llc (ga)
Classification: Pathogenic. Last evaluated: 2014-05-28. Review status: criteria provided, single submitter. Criteria: EGL Classification Definitions 2015. Collection method: clinical testing. Allele origin: germline. Observed: 1 variant allele, 1 hemizygote.

Literature cited by the submitters: PubMed 19390221 (cited by Labcorp Genetics (formerly Invitae), Labcorp); PubMed 21031565 (cited by Labcorp Genetics (formerly Invitae), Labcorp); PubMed 22381590 (cited by Labcorp Genetics (formerly Invitae), Labcorp).

NM_000276.4(OCRL):c.2299C>T (p.Gln767Ter)

Gene: OCRL (OCRL inositol polyphosphate-5-phosphatase; plus strand). Cytogenetic location: Xq26.1.
Variant type: single nucleotide variant.
Coding change: c.2299C>T on transcript NM_000276.4 (MANE Select); coding-DNA position 2299, C replaced by T.
Protein change: p.Gln767Ter; replaces glutamine 767 with a stop codon.
Molecular consequence: nonsense.
Genome position (GRCh38, 1-based): chrX:129,588,221, C>T. VCF-style: chrX-129588221-C-T. GRCh37 (hg19) VCF-style: chrX-128722198-C-T.
Other names: c.2302C>T, p.Gln768Ter (NM_001318784.2); c.2275C>T, p.Gln759Ter (NM_001587.4); short protein forms Q767*, Q759*, Q768*.
Identifiers: ClinVar variation 195559 (VCV000195559.10), dbSNP rs794727333, ClinGen allele CA275100.